The following is an entry in ClinVar:

ClinVar aggregate classification (germline): Uncertain significance (1 of 4 stars; one submission).

Conditions:
Charcot-Marie-Tooth disease type 2E (CMT2E). Also called: CHARCOT-MARIE-TOOTH DISEASE, AXONAL, TYPE 2E; CHARCOT-MARIE-TOOTH NEUROPATHY, TYPE 2E. Identifiers: Orphanet 99939, MedGen C1843225, MONDO:0011894, OMIM 607684.

Submission:

Labcorp Genetics (formerly Invitae), Labcorp
Classification: Uncertain significance for Charcot-Marie-Tooth disease type 2E. Last evaluated: 2022-02-25. Review status: criteria provided, single submitter. Criteria: Invitae Variant Classification Sherloc (09022015). Collection method: clinical testing. Allele origin: germline.
Comment: In summary, the available evidence is currently insufficient to determine the role of this variant in disease. Therefore, it has been classified as a Variant of Uncertain Significance. Experimental studies and prediction algorithms are not available or were not evaluated, and the functional significance of this variant is currently unknown. This variant has not been reported in the literature in individuals affected with NEFL-related conditions. This variant is not present in population databases (gnomAD no frequency). This sequence change replaces glutamic acid, which is acidic and polar, with aspartic acid, which is acidic and polar, at codon 289 of the NEFL protein (p.Glu289Asp).

NM_006158.5(NEFL):c.867G>C (p.Glu289Asp)

Gene: NEFL (neurofilament light chain; minus strand). Cytogenetic location: 8p21.2.
Variant type: single nucleotide variant.
Coding change: c.867G>C on transcript NM_006158.5 (MANE Select); coding-DNA position 867, G replaced by C.
Protein change: p.Glu289Asp; replaces glutamic acid 289 with aspartic acid.
Molecular consequence: missense variant.
Genome position (GRCh38, 1-based): chr8:24,955,649, C>G on the plus strand (G>C on the coding strand, the complement: NEFL is on the minus strand). VCF-style: chr8-24955649-C-G. GRCh37 (hg19) VCF-style: chr8-24813163-C-G.
Other names: short protein forms E289D.
Identifiers: ClinVar variation 2103483 (VCV002103483.4), dbSNP rs889922247, ClinGen allele CA370621448.